The following is an entry in ClinVar:

ClinVar aggregate classification (germline): Conflicting classifications of pathogenicity. Review status: criteria provided, conflicting classifications (1 of 4 stars). 4 submissions from 4 submitters: Uncertain significance (2); Benign (1); Likely benign (1). Last evaluated 2026-01-31.

Conditions:
Cardiovascular phenotype. Identifiers: MedGen CN230736.
Hereditary cancer-predisposing syndrome. Also called: Hereditary Cancer Syndrome; Hereditary neoplastic syndrome; Tumor predisposition; Neoplastic Syndromes, Hereditary. Identifiers: Orphanet 140162, MedGen C0027672, MeSH D009386, MONDO:0015356.
Primary familial hypertrophic cardiomyopathy (HCM). Identifiers: Orphanet 99739, MedGen C0949658, MeSH D024741, MONDO:0024573. Inheritance: Various modes of inheritance.
Neurofibromatosis, type 1 (NF1). Also called: VON RECKLINGHAUSEN DISEASE; NEUROFIBROMATOSIS, TYPE I, SOMATIC; Peripheral type neurofibromatosis; Neurofibromatosis, type I. Identifiers: Orphanet 636, MedGen C0027831, MONDO:0018975, OMIM 162200. Disease mechanism: loss of function.

Allele frequency attached by ClinVar (database versions not stated): ExAC 0.00001; gnomAD 0.00001; gnomAD exomes 0.00001; TOPMed 0.00001.

Submissions (4):

Labcorp Genetics (formerly Invitae), Labcorp
Classification: Benign for Neurofibromatosis, type 1. Last evaluated: 2026-01-31. Review status: criteria provided, single submitter. Criteria: Invitae Variant Classification Sherloc (09022015). Collection method: clinical testing. Allele origin: germline.

Petrovsky National Research Centre of Surgery, The Federal Agency for Scientific Organizations
Classification: Uncertain significance for Primary familial hypertrophic cardiomyopathy. Last evaluated: 2025-12-22. Review status: criteria provided, single submitter. Criteria: ACMG Guidelines, 2015. Collection method: clinical testing. Allele origin: germline. Affected: yes. Observed: 1 variant allele.
Comment: The variant is in The Genome Aggregation Database (gnomAD) v4.1.0 with total 6.196e-06. (Date of access 2025-12-22). In accordance with ACMG (2015) criteria this variant is classified as Uncertain significance with following criteria selected: PM2, BP4.

Ambry Genetics
Classification: Uncertain significance for Cardiovascular phenotype; Hereditary cancer-predisposing syndrome. Last evaluated: 2025-07-19. Review status: criteria provided, single submitter. Criteria: Ambry Variant Classification Scheme 2023. Collection method: clinical testing. Allele origin: germline.
Comment: The p.M102V variant (also known as c.304A>G), located in coding exon 4 of the NF1 gene, results from an A to G substitution at nucleotide position 304. The methionine at codon 102 is replaced by valine, an amino acid with highly similar properties. This amino acid position is well conserved in available vertebrate species. In addition, the in silico prediction for this alteration is inconclusive. Since supporting evidence is limited at this time, the clinical significance of this alteration remains unclear.

GeneDx
Classification: Likely benign. Last evaluated: 2020-03-02. Review status: criteria provided, single submitter. Criteria: GeneDx Variant Classification Process June 2021. Collection method: clinical testing. Allele origin: germline. Affected: yes.
Comment: In silico analysis supports that this missense variant does not alter protein structure/function; Has not been previously published as pathogenic or benign to our knowledge

NM_001042492.3(NF1):c.304A>G (p.Met102Val)

Gene: NF1 (neurofibromin 1; plus strand). Cytogenetic location: 17q11.2.
Variant type: single nucleotide variant.
Coding change: c.304A>G on transcript NM_001042492.3 (MANE Select); coding-DNA position 304, A replaced by G.
Protein change: p.Met102Val; replaces methionine 102 with valine.
Molecular consequence: missense variant.
Genome position (GRCh38, 1-based): chr17:31,163,201, A>G. VCF-style: chr17-31163201-A-G. GRCh37 (hg19) VCF-style: chr17-29490219-A-G.
Other names: c.304A>G, p.Met102Val (NM_001128147.3, NM_000267.4); short protein forms M102V.
Identifiers: ClinVar variation 457618 (VCV000457618.16), dbSNP rs756370324, ClinGen allele CA8485530.